The following is an entry in ClinVar:

ClinVar aggregate classification (germline): Uncertain significance (1 of 4 stars; one submission).

Allele frequency attached by ClinVar (database versions not stated): gnomAD 0.00001; gnomAD exomes 0.00001 and 0.00002; ExAC 0.00002; TOPMed 0.00002; ESP Exome Variant Server 0.00008.
gnomAD v4.1: 30 of 1,609,318 alleles (0.0019%); highest among the groups gnomAD compares: Non-Finnish European, 0.0025%; no homozygotes.

Submission:

Labcorp Genetics (formerly Invitae), Labcorp
Classification: Uncertain significance. Last evaluated: 2021-05-05. Review status: criteria provided, single submitter. Criteria: Invitae Variant Classification Sherloc (09022015). Collection method: clinical testing. Allele origin: germline.
Comment: Algorithms developed to predict the effect of missense changes on protein structure and function are either unavailable or do not agree on the potential impact of this missense change (SIFT: "Deleterious"; PolyPhen-2: "Probably Damaging"; Align-GVGD: "Class C0"). In summary, the available evidence is currently insufficient to determine the role of this variant in disease. Therefore, it has been classified as a Variant of Uncertain Significance. This variant has not been reported in the literature in individuals with DIP2C-related conditions. This variant is present in population databases (rs373436966, ExAC 0.003%). This sequence change replaces valine with methionine at codon 588 of the DIP2C protein (p.Val588Met). The valine residue is moderately conserved and there is a small physicochemical difference between valine and methionine.

NM_014974.3(DIP2C):c.1762G>A (p.Val588Met)

Gene: DIP2C (DIP2 acetate--CoA ligase C (putative); minus strand). Cytogenetic location: 10p15.3.
Variant type: single nucleotide variant.
Coding change: c.1762G>A on transcript NM_014974.3 (MANE Select); coding-DNA position 1762, G replaced by A.
Protein change: p.Val588Met; replaces valine 588 with methionine.
Molecular consequence: missense variant.
Genome position (GRCh38, 1-based): chr10:384,141, C>T on the plus strand (G>A on the coding strand, the complement: DIP2C is on the minus strand). VCF-style: chr10-384141-C-T. GRCh37 (hg19) VCF-style: chr10-430081-C-T.
Other names: short protein forms V588M.
Identifiers: ClinVar variation 1351524 (VCV001351524.8), dbSNP rs373436966, ClinGen allele CA5380750.